The following is an entry in ClinVar:

NM_006030.4(CACNA2D2):c.1709A>G (p.Asn570Ser)

Gene: CACNA2D2 (calcium voltage-gated channel auxiliary subunit alpha2delta 2; minus strand). Cytogenetic location: 3p21.31.
Variant type: single nucleotide variant.
Coding change: c.1709A>G on transcript NM_006030.4 (MANE Select); coding-DNA position 1709, A replaced by G.
Protein change: p.Asn570Ser; replaces asparagine 570 with serine.
Molecular consequence: missense variant.
Genome position (GRCh38, 1-based): chr3:50,376,027, T>C on the plus strand (A>G on the coding strand, the complement: CACNA2D2 is on the minus strand). VCF-style: chr3-50376027-T-C. GRCh37 (hg19) VCF-style: chr3-50413458-T-C.
Other names: c.1709A>G, p.Asn570Ser (NM_001005505.3, NM_001174051.3); c.1502A>G, p.Asn501Ser (NM_001291101.1); short protein forms N570S, N501S.
Identifiers: ClinVar variation 1389756 (VCV001389756.4), dbSNP rs1449967398, ClinGen allele CA352925115.
Genomic context (GRCh38, chr3:50,376,027, plus strand): 5'-TCCTTGTTCTCATCCTCTAGCTCCGCATCCAGGAAGTCCAGAGTCACAGGCTCCCGGAAG[T>C]TGGTGGTCTGTTGGAGGCAGGGTGGGAAGTCAGAAGTCCCCATTGTGGAAGGTTTGCCCA-3'
Protein context (NP_006021.2, residues 560-580): LHPNLKPQTT[Asn570Ser]FREPVTLDFL

ClinVar aggregate classification (germline): Uncertain significance (1 of 4 stars; one submission).

Conditions:
Developmental and epileptic encephalopathy. Identifiers: MedGen C5779964, MONDO:0100620.

Allele frequency attached by ClinVar (database versions not stated): TOPMed below 0.00001; gnomAD 0.00001; gnomAD exomes 0.00001.
gnomAD v4.1: 12 of 1,613,140 alleles (0.00074%); highest among the groups gnomAD compares: African/African-American, 0.0013%; no homozygotes.

Submission:

Labcorp Genetics (formerly Invitae), Labcorp
Classification: Uncertain significance for Early-infantile DEE. Last evaluated: 2021-12-08. Review status: criteria provided, single submitter. Criteria: Invitae Variant Classification Sherloc (09022015). Collection method: clinical testing. Allele origin: germline.
Comment: This sequence change replaces asparagine, which is neutral and polar, with serine, which is neutral and polar, at codon 570 of the CACNA2D2 protein (p.Asn570Ser). This variant is not present in population databases (gnomAD no frequency). This variant has not been reported in the literature in individuals affected with CACNA2D2-related conditions. Algorithms developed to predict the effect of missense changes on protein structure and function are either unavailable or do not agree on the potential impact of this missense change (SIFT: "Deleterious"; PolyPhen-2: "Benign"; Align-GVGD: "Class C0"). In summary, the available evidence is currently insufficient to determine the role of this variant in disease. Therefore, it has been classified as a Variant of Uncertain Significance.